The following is an entry in ClinVar:

ClinVar aggregate classification (germline): Uncertain significance (1 of 4 stars; one submission).

gnomAD v4.1: 2 of 1,611,970 alleles (0.00012%); highest among the groups gnomAD compares: South Asian, 0.0011%; no homozygotes.

Submission:

Ambry Genetics
Classification: Uncertain significance. Last evaluated: 2026-08-29. Review status: criteria provided, single submitter. Criteria: Ambry Variant Classification Scheme 2023. Collection method: clinical testing. Allele origin: germline.
Comment: The p.R609P variant (also known as c.1826G>C), located in coding exon 8 of the RNF43 gene, results from a G to C substitution at nucleotide position 1826. The arginine at codon 609 is replaced by proline, an amino acid with dissimilar properties. This amino acid position is conserved. In addition, this alteration is predicted to be tolerated by in silico analysis. Based on the available evidence, the clinical significance of this variant remains unclear.

NM_017763.6(RNF43):c.1826G>C (p.Arg609Pro)

Gene: RNF43 (ring finger protein 43; minus strand). Cytogenetic location: 17q22.
Variant type: single nucleotide variant.
Coding change: c.1826G>C on transcript NM_017763.6 (MANE Select); coding-DNA position 1826, G replaced by C.
Protein change: p.Arg609Pro; replaces arginine 609 with proline.
Molecular consequence: missense variant.
Genome position (GRCh38, 1-based): chr17:58,357,950, C>G on the plus strand (G>C on the coding strand, the complement: RNF43 is on the minus strand). VCF-style: chr17-58357950-C-G. GRCh37 (hg19) VCF-style: chr17-56435311-C-G.
Other names: c.1826G>C, p.Arg609Pro (NM_001305544.3, NM_001438820.1, NM_001438821.1 and 1 more transcripts); c.1445G>C, p.Arg482Pro (NM_001305545.2, NM_001437987.1); short protein forms R482P, R609P.
Identifiers: ClinVar variation 5028361 (VCV005028361.1).
Genomic context (GRCh38, chr17:58,357,950, plus strand): 5'-GCGTCAACTGGGCCAGGGGCTGGCTCAGGGAGGGCCCTGGGGCACTGTGGGTTAGAGAGC[C>G]GCCCCGAAGGGGCTGCTGAGTTGGATCTGGTGACTTGCTGATCAGGAGAAGGTGGCTCTG-3'
Protein context (NP_060233.3, residues 599-619): TRSNSAAPSG[Arg609Pro]LSNPQCPRAL